The following is an entry in ClinVar:

ClinVar aggregate classification (germline): Pathogenic (1 of 4 stars; one submission).

Submission:

GeneDx
Classification: Pathogenic. Last evaluated: 2017-12-07. Review status: criteria provided, single submitter. Criteria: GeneDx Variant Classification (06012015). Collection method: clinical testing. Allele origin: germline. Affected: yes.
Comment: The c.1546delT pathogenic variant causes a frameshift starting with codon Tyrosine 516, changes this amino acid to a Threonine residue and creates a premature Stop codon at position 7 of the newreading frame, denoted p.Tyr516ThrfsX7. This variant is predicted to cause loss of normal protein function either through protein truncation or nonsense-mediated mRNA decay. The c.1546delT variant is not observed in large population cohorts (Lek et al., 2016). Although this variant has not been previously reported to our knowledge, other loss-of-function variants in CDKL5 have been reported in the Human Gene Mutation Database in association with CDKL5-related disorders (Stenson et al., 2014).

NM_001323289.2(CDKL5):c.1546del (p.Tyr516fs)

Gene: CDKL5 (cyclin dependent kinase like 5; plus strand). Cytogenetic location: Xp22.13.
Variant type: Deletion.
Coding change: c.1546del on transcript NM_001323289.2 (MANE Select); coding-DNA position 1546, one base deleted (T; older notation c.1546delT).
Protein change: p.Tyr516fs; shifts the reading frame from tyrosine 516.
Molecular consequence: frameshift variant.
Genome position (GRCh38, 1-based): chrX:18,604,470, T deleted. VCF-style (leftmost placement, unchanged base first): chrX-18604469-GT-G. GRCh37 (hg19) VCF-style: chrX-18622589-GT-G.
Other names: c.1546del, p.Tyr516fs (NM_001037343.2, NM_003159.3); c.1546delT (NM_003159.2); short protein forms Y516fs.
Identifiers: ClinVar variation 503833 (VCV000503833.2), dbSNP rs1555952063, ClinGen allele CA658799609.
Genomic context (GRCh38, chrX:18,604,469, plus strand): 5'-CAAGTCTGTGAGCAACCTTTCTGAAGCCAGGGCCCAAATTGCGGAGCCCAGTACCAGTAG[GT>G]ACTTCCCATCTAGCTGCTTAGACTTGAATTCTCCCACCAGCCCAACCCCCACCAGACACA-3'